The following is an entry in ClinVar:

NM_000222.3(KIT):c.1184C>T (p.Ser395Phe)

Gene: KIT (KIT proto-oncogene, receptor tyrosine kinase; plus strand). Cytogenetic location: 4q12.
Variant type: single nucleotide variant.
Coding change: c.1184C>T on transcript NM_000222.3 (MANE Select); coding-DNA position 1184, C replaced by T.
Protein change: p.Ser395Phe; replaces serine 395 with phenylalanine.
Molecular consequence: missense variant.
Genome position (GRCh38, 1-based): chr4:54,709,492, C>T. VCF-style: chr4-54709492-C-T. GRCh37 (hg19) VCF-style: chr4-55575658-C-T.
Other names: c.1184C>T, p.Ser395Phe (NM_001093772.2, NM_001385285.1, NM_001385286.1); c.1187C>T, p.Ser396Phe (NM_001385284.1, NM_001385288.1, NM_001385290.1 and 1 more transcripts); short protein forms S395F, S396F.
Identifiers: ClinVar variation 962379 (VCV000962379.12), dbSNP rs1721002320, ClinGen allele CA356902429.

ClinVar aggregate classification (germline): Uncertain significance. Review status: criteria provided, multiple submitters, no conflicts (2 of 4 stars). 4 submissions from 4 submitters: Uncertain significance (4). Last evaluated 2025-11-12.

Conditions:
Hereditary cancer-predisposing syndrome. Also called: Neoplastic Syndromes, Hereditary; Tumor predisposition; Hereditary neoplastic syndrome; Hereditary Cancer Syndrome. Identifiers: Orphanet 140162, MedGen C0027672, MeSH D009386, MONDO:0015356.
KIT-related disorder. Also called: KIT-related condition.
Gastrointestinal stromal tumor. Also called: Gastrointestinal stromal tumor, somatic; Gastrointestinal stroma tumor. Identifiers: Orphanet 44890, MedGen C0238198, MeSH D046152, MONDO:0011719, OMIM 606764, HP:0100723.

Allele frequency attached by ClinVar (database versions not stated): gnomAD exomes below 0.00001.
gnomAD v4.1: 4 of 1,613,438 alleles (0.00025%); highest among the groups gnomAD compares: African/African-American, 0.0027%; no homozygotes.

Submissions (4):

Labcorp Genetics (formerly Invitae), Labcorp
Classification: Uncertain significance for Gastrointestinal stromal tumor. Last evaluated: 2025-11-12. Review status: criteria provided, single submitter. Criteria: Invitae Variant Classification Sherloc (09022015). Collection method: clinical testing. Allele origin: germline.
Comment: This sequence change replaces serine, which is neutral and polar, with phenylalanine, which is neutral and non-polar, at codon 395 of the KIT protein (p.Ser395Phe). This variant is not present in population databases (gnomAD no frequency). This variant has not been reported in the literature in individuals affected with KIT-related conditions. ClinVar contains an entry for this variant (Variation ID: 962379). An algorithm developed to predict the effect of missense changes on protein structure and function (PolyPhen-2) suggests that this variant is likely to be disruptive. In summary, the available evidence is currently insufficient to determine the role of this variant in disease. Therefore, it has been classified as a Variant of Uncertain Significance.

Ambry Genetics
Classification: Uncertain significance for Hereditary cancer-predisposing syndrome. Last evaluated: 2025-09-16. Review status: criteria provided, single submitter. Criteria: Ambry Variant Classification Scheme 2023. Collection method: clinical testing. Allele origin: germline.
Comment: The p.S395F variant (also known as c.1184C>T), located in coding exon 7 of the KIT gene, results from a C to T substitution at nucleotide position 1184. The serine at codon 395 is replaced by phenylalanine, an amino acid with highly dissimilar properties. This amino acid position is highly conserved in available vertebrate species. In addition, the in silico prediction for this alteration is inconclusive. Based on the available evidence, the clinical significance of this variant remains unclear.

PreventionGenetics, part of Exact Sciences
Classification: Uncertain significance for KIT-related condition. Last evaluated: 2025-02-13. Review status: criteria provided, single submitter. Criteria: ACMG Guidelines, 2015. Collection method: clinical testing. Allele origin: germline.
Comment: The KIT c.1184C>T variant is predicted to result in the amino acid substitution p.Ser395Phe. To our knowledge, this variant has not been reported in the literature or in a large population database (gnomAD), indicating this variant is rare. This variant is interpreted as uncertain in ClinVar. At this time, the clinical significance of this variant is uncertain due to the absence of conclusive functional and genetic evidence.

GeneDx
Classification: Uncertain significance. Last evaluated: 2023-10-23. Review status: criteria provided, single submitter. Criteria: GeneDx Variant Classification Process June 2021. Collection method: clinical testing. Allele origin: germline. Affected: yes.
Comment: Not observed at significant frequency in large population cohorts (gnomAD); In silico analysis supports that this missense variant has a deleterious effect on protein structure/function; Has not been previously published as pathogenic or benign to our knowledge